The following is an entry in ClinVar:

NM_001349253.2(SCN11A):c.1817AGA[1] (p.Lys607del)

Gene: SCN11A (sodium voltage-gated channel alpha subunit 11; minus strand). Cytogenetic location: 3p22.2.
Variant type: Microsatellite.
Coding change: c.1817AGA[1] on transcript NM_001349253.2 (MANE Select); one copy of the 3-base unit AGA starting at c.1817; the reference has two copies in a row; one copy, 3 bases deleted.
Protein change: p.Lys607del; deletes lysine 607.
Molecular consequence: inframe deletion.
Genome position (GRCh38, 1-based): chr3:38,903,885-38,903,887, TCT deleted on the plus strand (AGA on the coding strand, the reverse complement: SCN11A is on the minus strand); deleting any 3 consecutive bases within chr3:38,903,885-38,903,890 gives the same sequence; the position shown is the placement nearest the transcript's 3' end. VCF-style (leftmost placement, unchanged base first): chr3-38903884-ATCT-A. GRCh37 (hg19) VCF-style: chr3-38945375-ATCT-A.
Other names: c.1817AGA[1], p.Lys607del (NM_014139.3); short protein forms K607del.
Identifiers: ClinVar variation 624020 (VCV000624020.45), dbSNP rs1418284178, ClinGen allele CA906912491.
Genomic context (GRCh38, chr3:38,903,884, plus strand): 5'-GTATGAAATATGTTTTTTATTTTTAAAAAGTGTAATGTTACCAAATTCCCTATATTCAAC[ATCT>A]TCTCAAAACTGGCCTCCATCTTGTGATGCTCCATGGCCAAGAAGACAGTGTTGATGATGA-3'

ClinVar aggregate classification (germline): Uncertain significance. Review status: criteria provided, multiple submitters, no conflicts (2 of 4 stars). 2 submissions from 2 submitters: Uncertain significance (2). Last evaluated 2024-06-12.

Conditions:
Hereditary sensory and autonomic neuropathy type 7. Also called: Neuropathy, hereditary sensory and autonomic, type VII; HSAN VII. Identifiers: Orphanet 391397, MedGen C3809882, MONDO:0014244, OMIM 615548.
Familial episodic pain syndrome with predominantly lower limb involvement. Also called: Episodic pain syndrome, familial, 3. Identifiers: Orphanet 391384, Orphanet 391392, MedGen C3809899, MONDO:0014247, OMIM 615552.

Submissions (2):

Labcorp Genetics (formerly Invitae), Labcorp
Classification: Uncertain significance for Familial episodic pain syndrome with predominantly lower limb involvement; Hereditary sensory and autonomic neuropathy type 7. Last evaluated: 2024-06-12. Review status: criteria provided, single submitter. Criteria: Invitae Variant Classification Sherloc (09022015). Collection method: clinical testing. Allele origin: germline.
Comment: This variant, c.1820_1822del, results in the deletion of 1 amino acid(s) of the SCN11A protein (p.Lys607del), but otherwise preserves the integrity of the reading frame. This variant is not present in population databases (gnomAD no frequency). This variant has not been reported in the literature in individuals affected with SCN11A-related conditions. Experimental studies and prediction algorithms are not available or were not evaluated, and the functional significance of this variant is currently unknown. In summary, the available evidence is currently insufficient to determine the role of this variant in disease. Therefore, it has been classified as a Variant of Uncertain Significance.

CeGaT Center for Human Genetics Tuebingen
Classification: Uncertain significance. Last evaluated: 2018-04-01. Review status: criteria provided, single submitter. Criteria: CeGaT Center For Human Genetics Tuebingen Variant Classification Criteria Version 2. Collection method: clinical testing. Allele origin: germline. Affected: yes. Observed: 1 variant allele.